The following is an entry in ClinVar:

ClinVar aggregate classification (germline): Uncertain significance (1 of 4 stars; one submission).

Conditions:
Complex cortical dysplasia with other brain malformations 2. Identifiers: MedGen C3809013, MONDO:0014116, OMIM 615282.

Submission:

Victorian Clinical Genetics Services, Murdoch Childrens Research Institute
Classification: Uncertain significance for Complex cortical dysplasia with other brain malformations 2. Last evaluated: 2024-11-14. Review status: criteria provided, single submitter. Criteria: ACMG Guidelines, 2015. Collection method: clinical testing. Allele origin: germline. Affected: yes.
Comment: This variant is classified as VUS-3B. Evidence in support of pathogenic classification: Variant is absent from gnomAD (v2, v3 and v4). Additional information: Variant is predicted to result in a missense amino acid change from glutamic acid to aspartic acid; This variant is heterozygous; This gene is associated with autosomal dominant disease; An alternative amino acid change at the same position has been observed in gnomAD (v4: 1 heterozygote(s), 0 homozygote(s)); This variant has no previous evidence of pathogenicity; No published segregation evidence has been identified for this variant; No published functional evidence has been identified for this variant; No comparable missense variants have previous evidence for pathogenicity; Variant is not located in an established domain, motif, hotspot or informative constraint region; Missense variant with conflicting in silico predictions and uninformative conservation; The mechanism of disease for this gene is not clearly established. Dominant negative and loss of function have been suggested (PMIDs: 24812067, 39503049); Variants in this gene are known to have variable expressivity (OMIM; PMID: 39503049); Inheritance information for this variant is not currently available in this individual.

Literature cited by the submitters: PubMed 24812067; PubMed 39503049.

NM_004522.3(KIF5C):c.1047G>C (p.Glu349Asp)

Gene: KIF5C (kinesin family member 5C; plus strand). Cytogenetic location: 2q23.1.
Variant type: single nucleotide variant.
Coding change: c.1047G>C on transcript NM_004522.3 (MANE Select); coding-DNA position 1047, G replaced by C.
Protein change: p.Glu349Asp; replaces glutamic acid 349 with aspartic acid.
Molecular consequence: missense variant. On other transcripts: non-coding transcript variant (1).
Genome position (GRCh38, 1-based): chr2:148,962,049, G>C. VCF-style: chr2-148962049-G-C. GRCh37 (hg19) VCF-style: chr2-149818563-G-C.
Other names: short protein forms E349D.
Identifiers: ClinVar variation 4531772 (VCV004531772.1).